The following is an entry in ClinVar:

ClinVar aggregate classification (germline): Conflicting classifications of pathogenicity. Review status: criteria provided, conflicting classifications (1 of 4 stars). 7 submissions from 7 submitters: Uncertain significance (1); Likely benign (4). 2 of the submissions do not count toward it. Last evaluated 2026-01-06.

Conditions:
FKTN-related disorder. Also called: FKTN-related condition; FKTN-related disorders.
Walker-Warburg congenital muscular dystrophy. Also called: Muscular dystrophy-dystroglycanopathy, type A; Walker-Warburg syndrome. Identifiers: Orphanet 899, MedGen C0265221, MONDO:0000171.
Cardiovascular phenotype. Identifiers: MedGen CN230736.

Allele frequency attached by ClinVar (database versions not stated): gnomAD 0.00001; gnomAD exomes 0.00003 and 0.00015; TOPMed 0.00005; ExAC 0.00008.

Submissions (7):

Labcorp Genetics (formerly Invitae), Labcorp
Classification: Likely benign for Walker-Warburg congenital muscular dystrophy. Last evaluated: 2026-01-06. Review status: criteria provided, single submitter. Criteria: Invitae Variant Classification Sherloc (09022015). Collection method: clinical testing. Allele origin: germline.

Women's Health and Genetics/Laboratory Corporation of America, LabCorp
Classification: Likely benign. Last evaluated: 2025-03-08. Review status: criteria provided, single submitter. Criteria: LabCorp Variant Classification Summary - May 2015. Collection method: clinical testing. Allele origin: germline.

Ambry Genetics
Classification: Likely benign for Cardiovascular phenotype. Last evaluated: 2020-01-22. Review status: criteria provided, single submitter. Criteria: Ambry Variant Classification Scheme 2023. Collection method: clinical testing. Allele origin: germline.

GeneDx
Classification: Likely benign. Last evaluated: 2018-02-19. Review status: criteria provided, single submitter. Criteria: GeneDx Variant Classification (06012015). Collection method: clinical testing. Allele origin: germline. Affected: yes.
Comment: This variant is considered likely benign or benign based on one or more of the following criteria: it is a conservative change, it occurs at a poorly conserved position in the protein, it is predicted to be benign by multiple in silico algorithms, and/or has population frequency not consistent with disease.

Eurofins Ntd Llc (ga)
Classification: Uncertain significance. Last evaluated: 2017-04-25. Review status: criteria provided, single submitter. Criteria: EGL Classification Definitions 2015. Collection method: clinical testing. Allele origin: germline. Observed: 1 variant allele, 1 heterozygote.

PreventionGenetics, part of Exact Sciences
Classification: Likely benign for FKTN-related condition. Last evaluated: 2022-07-06. Review status: no assertion criteria provided. Collection method: clinical testing. Allele origin: germline. Not counted in ClinVar's aggregate classification.
Comment: This variant is classified as likely benign based on ACMG/AMP sequence variant interpretation guidelines (Richards et al. 2015 PMID: 25741868, with internal and published modifications).

Natera, Inc.
Classification: Likely benign for Walker-Warburg congenital muscular dystrophy. Last evaluated: 2020-03-19. Review status: no assertion criteria provided. Collection method: clinical testing. Allele origin: germline. Not counted in ClinVar's aggregate classification.

NM_001079802.2(FKTN):c.357A>G (p.Leu119=)

Gene: FKTN (fukutin; plus strand). Cytogenetic location: 9q31.2.
Variant type: single nucleotide variant.
Coding change: c.357A>G on transcript NM_001079802.2 (MANE Select); coding-DNA position 357, A replaced by G.
Protein change: p.Leu119=; no amino-acid change (leucine 119 retained).
Molecular consequence: synonymous variant. On other transcripts: 5 prime UTR variant (4), non-coding transcript variant (2).
Genome position (GRCh38, 1-based): chr9:105,601,336, A>G. VCF-style: chr9-105601336-A-G. GRCh37 (hg19) VCF-style: chr9-108363617-A-G.
Other names: c.357A>G, p.Leu119= (NM_001198963.2, NM_001351496.2, NM_001351498.2 and 1 more transcripts); c.288A>G, p.Leu96= (NM_001351497.2); c.-158A>G (NM_001351499.2, NM_001351500.2, NM_001351501.2 and 1 more transcripts).
Identifiers: ClinVar variation 501555 (VCV000501555.24), dbSNP rs760933616, ClinGen allele CA5170376.